The following is an entry in ClinVar:

NM_033380.3(COL4A5):c.3095T>C (p.Met1032Thr)

Gene: COL4A5 (collagen type IV alpha 5 chain; plus strand). Cytogenetic location: Xq22.3.
Variant type: single nucleotide variant.
Coding change: c.3095T>C on transcript NM_033380.3 (MANE Select); coding-DNA position 3095, T replaced by C.
Protein change: p.Met1032Thr; replaces methionine 1032 with threonine.
Molecular consequence: missense variant.
Genome position (GRCh38, 1-based): chrX:108,625,783, T>C. VCF-style: chrX-108625783-T-C. GRCh37 (hg19) VCF-style: chrX-107869013-T-C.
Other names: c.3095T>C, p.Met1032Thr (NM_000495.5); c.3095T>C (NM_000495.3); short protein forms M1032T.
Identifiers: ClinVar variation 1132796 (VCV001132796.13), dbSNP rs754487739, ClinGen allele CA10489029.
Genomic context (GRCh38, chrX:108,625,783, plus strand): 5'-GTCTCCCTGGACAGCCAGGTCTTATAGGACCTCCTGGACTTAAAGGAACCATCGGTGATA[T>C]GGGTTTTCCAGGTGAGTGATGAAAATCTTCCAAATATTTAGTCCCATTAATGAAAGGTGG-3'
Protein context (NP_203699.1, residues 1022-1042): PPGLKGTIGD[Met1032Thr]GFPGPQGVEG

ClinVar aggregate classification (germline): Conflicting classifications of pathogenicity. Review status: criteria provided, conflicting classifications (1 of 4 stars). 3 submissions from 3 submitters: Uncertain significance (2); Likely benign (1). Last evaluated 2024-02-06.

Conditions:
Inborn genetic diseases. Identifiers: MedGen C0950123, MeSH D030342.

Allele frequency attached by ClinVar (database versions not stated): gnomAD 0.00001; gnomAD exomes 0.00002; TOPMed 0.00002; ExAC 0.00004.

Submissions (3):

Labcorp Genetics (formerly Invitae), Labcorp
Classification: Likely benign. Last evaluated: 2024-02-06. Review status: criteria provided, single submitter. Criteria: Invitae Variant Classification Sherloc (09022015). Collection method: clinical testing. Allele origin: germline.

Ambry Genetics
Classification: Uncertain significance for Inborn genetic diseases. Last evaluated: 2023-03-27. Review status: criteria provided, single submitter. Criteria: Ambry Variant Classification Scheme 2023. Collection method: clinical testing. Allele origin: germline.

GeneDx
Classification: Uncertain significance. Last evaluated: 2019-09-09. Review status: criteria provided, single submitter. Criteria: GeneDx Variant Classification Process June 2021. Collection method: clinical testing. Allele origin: germline. Affected: yes.
Comment: In silico analysis, which includes protein predictors and evolutionary conservation, supports a deleterious effect; Has not been previously published as pathogenic or benign to our knowledge